The following is an entry in ClinVar:

NM_000551.4(VHL):c.*1181G>C

Genes: VHL (von Hippel-Lindau tumor suppressor; plus strand), LOC107303340 (3p25 von Hippel-Lindau tumor suppressor, E3 ubiquitin protein ligase Alu-mediated recombination region; plus strand). Cytogenetic location: 3p25.3.
Variant type: single nucleotide variant.
Coding change: c.*1181G>C on transcript NM_000551.4 (MANE Select); 1181 bases downstream of the stop codon, G replaced by C.
Molecular consequence: 3 prime UTR variant.
Genome position (GRCh38, 1-based): chr3:10,151,146, G>C. VCF-style: chr3-10151146-G-C. GRCh37 (hg19) VCF-style: chr3-10192830-G-C.
Other names: c.*1377G>C (NM_001354723.2); c.*1181G>C (NM_198156.3).
Identifiers: ClinVar variation 900620 (VCV000900620.4), dbSNP rs72563745, ClinGen allele CA70053497.
Genomic context (GRCh38, chr3:10,151,146, plus strand): 5'-GCCAGGCTGGTTTCAAACTCCTGACCTCAGGTGATCCGCCCACCTCAGCCTCCCAAAATG[G>C]TGGGATTACAGGTGTGTGGGCCACCGTGCCTGGCTGATTCAGCATTTTTTATCAGGCAGG-3'

ClinVar aggregate classification (germline): Benign (1 of 4 stars; one submission).

Conditions:
Von Hippel-Lindau syndrome (VHLS). Also called: Von Hippel-Lindau; VHL syndrome; von Hippel–Lindau syndrome. Identifiers: Orphanet 892, MedGen C0019562, MONDO:0008667, OMIM 193300. Disease mechanism: loss of function.

Allele frequency attached by ClinVar (database versions not stated): gnomAD exomes 0.00092; TOPMed 0.00654; 1000 Genomes Project 0.00759; 1000 Genomes Project 30x 0.00828.
gnomAD v4.1: 946 of 190,172 alleles (0.5%); highest among the groups gnomAD compares: African/African-American, 2%; 12 homozygotes.

Submission:

Illumina Laboratory Services, Illumina
Classification: Benign for Von Hippel-Lindau syndrome. Last evaluated: 2018-01-12. Review status: criteria provided, single submitter. Criteria: ICSL Variant Classification Criteria 13 December 2019. Collection method: clinical testing. Allele origin: germline.
Comment: This variant was observed in the ICSL laboratory as part of a predisposition screen in an ostensibly healthy population. It had not been previously curated by ICSL or reported in the Human Gene Mutation Database (HGMD: prior to June 1st, 2018), and was therefore a candidate for classification through an automated scoring system. Utilizing variant allele frequency, disease prevalence and penetrance estimates, and inheritance mode, an automated score was calculated to assess if this variant is too frequent to cause the disease. Based on the score and internal cut-off values, a variant classified as benign is not then subjected to further curation. The score for this variant resulted in a classification of benign for this disease.